The following is an entry in ClinVar:

NM_001270508.2(TNFAIP3):c.1242_1245del (p.Asn414fs)

Gene: TNFAIP3 (TNF alpha induced protein 3; plus strand). Cytogenetic location: 6q23.3.
Variant type: Deletion.
Coding change: c.1242_1245del on transcript NM_001270508.2 (MANE Select); coding-DNA positions 1242 to 1245, 4 bases deleted (TCAA; older notation c.1242_1245delTCAA).
Protein change: p.Asn414fs; shifts the reading frame from asparagine 414.
Molecular consequence: frameshift variant.
Genome position (GRCh38, 1-based): chr6:137,878,687-137,878,690, TCAA deleted; deleting any 4 consecutive bases within chr6:137,878,685-137,878,690 gives the same sequence; the c. name uses the placement nearest the transcript's 3' end. VCF-style (leftmost placement, unchanged base first): chr6-137878684-GAATC-G. GRCh37 (hg19) VCF-style: chr6-138199821-GAATC-G.
Other names: c.1242_1245del, p.Asn414fs (NM_001270507.2, NM_006290.4); short protein forms N414fs.
Identifiers: ClinVar variation 4880730 (VCV004880730.2).

ClinVar aggregate classification (germline): Likely pathogenic (1 of 4 stars; one submission).

Conditions:
Autoinflammatory syndrome, familial, Behcet-like 1 (AIFBL1). Also called: Haploinsufficiency of A20. Identifiers: Orphanet 674762, MedGen C4225218, MONDO:0800045, OMIM 616744.

Submission:

Dasa
Classification: Likely pathogenic for Autoinflammatory syndrome, familial, Behcet-like 1. Last evaluated: 2025-11-19. Review status: criteria provided, single submitter. Criteria: DASA Assertion Criteria. Collection method: clinical testing. Allele origin: germline.
Comment: NM_001270508.2(TNFAIP3):c.1242_1245del (p.Asn414Lysfs*7) is a frameshift variant in TNFAIP3 predicted to alter the reading frame and introduce a premature termination codon and is predicted to result in an absent or altered protein product. Loss of function is an established disease mechanism for TNFAIP3-associated disorders. Also, this variant is absent from population databases. Based on the currently available evidence, this variant is classified as likely pathogenic.